The following is an entry in ClinVar:

NM_001142800.2(EYS):c.6535A>G (p.Ile2179Val)

Gene: EYS (EGF-like photoreceptor maintenance factor; minus strand). Cytogenetic location: 6q12.
Variant type: single nucleotide variant.
Coding change: c.6535A>G on transcript NM_001142800.2 (MANE Select); coding-DNA position 6535, A replaced by G.
Protein change: p.Ile2179Val; replaces isoleucine 2179 with valine.
Molecular consequence: missense variant.
Genome position (GRCh38, 1-based): chr6:64,081,892, T>C on the plus strand (A>G on the coding strand, the complement: EYS is on the minus strand). VCF-style: chr6-64081892-T-C. GRCh37 (hg19) VCF-style: chr6-64791785-T-C.
Other names: c.6535A>G, p.Ile2179Val (NM_001292009.2); short protein forms I2179V.
Identifiers: ClinVar variation 731600 (VCV000731600.61), dbSNP rs148019592, ClinGen allele CA3876905.

ClinVar aggregate classification (germline): Conflicting classifications of pathogenicity. Review status: criteria provided, conflicting classifications (1 of 4 stars). 8 submissions from 8 submitters: Uncertain significance (4); Likely benign (2). 2 of the submissions do not count toward it. Last evaluated 2026-01-26.

Conditions:
Retinitis pigmentosa (RP). Identifiers: Orphanet 791, MedGen C0035334, MeSH D012174, MONDO:0019200, OMIM 268000. Inheritance: Autosomal dominant, autosomal recessive and X linked inheritance.
Retinitis pigmentosa 25 (RP25). Identifiers: Orphanet 791, MedGen C1864446, MONDO:0011272, OMIM 602772.
EYS-related disorder. Also called: EYS-related condition.
Inborn genetic diseases. Identifiers: MedGen C0950123, MeSH D030342.

Allele frequency attached by ClinVar (database versions not stated): ESP Exome Variant Server 0.00022; gnomAD exomes 0.00036 and 0.00016; ExAC 0.00046; 1000 Genomes Project 0.00120; 1000 Genomes Project 30x 0.00125; gnomAD 0.00157 and 0.00165; TOPMed 0.00184.
gnomAD v4.1: 469 of 1,542,298 alleles (0.03%); highest among the groups gnomAD compares: African/African-American, 0.52%; 3 homozygotes.

Submissions (8):

Labcorp Genetics (formerly Invitae), Labcorp
Classification: Likely benign. Last evaluated: 2026-01-26. Review status: criteria provided, single submitter. Criteria: Invitae Variant Classification Sherloc (09022015). Collection method: clinical testing. Allele origin: germline.

Blueprint Genetics
Classification: Likely benign. Last evaluated: 2024-11-13. Review status: criteria provided, single submitter. Criteria: ACMG Guidelines, 2015. Collection method: clinical testing. Allele origin: germline.

Ambry Genetics
Classification: Uncertain significance for Inborn genetic diseases. Last evaluated: 2024-10-21. Review status: criteria provided, single submitter. Criteria: Ambry Variant Classification Scheme 2023. Collection method: clinical testing. Allele origin: germline.

Department of Pathology and Laboratory Medicine, Sinai Health System
Classification: Uncertain significance for Retinitis pigmentosa 25. Last evaluated: 2021-07-30. Review status: criteria provided, single submitter. Criteria: ACMG Guidelines, 2015. Collection method: research. Allele origin: germline.

CeGaT Center for Human Genetics Tuebingen
Classification: Uncertain significance. Last evaluated: 2019-05-01. Review status: criteria provided, single submitter. Criteria: CeGaT Center For Human Genetics Tuebingen Variant Classification Criteria Version 2. Collection method: clinical testing. Allele origin: germline. Affected: yes. Observed: 1 variant allele.

Illumina Laboratory Services, Illumina
Classification: Uncertain significance for Retinitis pigmentosa. Last evaluated: 2018-01-13. Review status: criteria provided, single submitter. Criteria: ICSL Variant Classification Criteria 13 December 2019. Collection method: clinical testing. Allele origin: germline.

PreventionGenetics, part of Exact Sciences
Classification: Likely benign for EYS-related condition. Last evaluated: 2023-03-03. Review status: no assertion criteria provided. Collection method: clinical testing. Allele origin: germline. Not counted in ClinVar's aggregate classification.
Comment: This variant is classified as likely benign based on ACMG/AMP sequence variant interpretation guidelines (Richards et al. 2015 PMID: 25741868, with internal and published modifications).

Natera, Inc.
Classification: Uncertain significance for Retinitis pigmentosa type 25. Last evaluated: 2019-11-11. Review status: no assertion criteria provided. Collection method: clinical testing. Allele origin: germline. Not counted in ClinVar's aggregate classification.